The following is an entry in ClinVar:

NM_000268.4(NF2):c.1070A>G (p.Glu357Gly)

Gene: NF2 (NF2, moesin-ezrin-radixin like (MERLIN) tumor suppressor; plus strand). Cytogenetic location: 22q12.2.
Variant type: single nucleotide variant.
Coding change: c.1070A>G on transcript NM_000268.4 (MANE Select); coding-DNA position 1070, A replaced by G.
Protein change: p.Glu357Gly; replaces glutamic acid 357 with glycine.
Molecular consequence: missense variant. On other transcripts: intron variant (1).
Genome position (GRCh38, 1-based): chr22:29,671,896, A>G. VCF-style: chr22-29671896-A-G. GRCh37 (hg19) VCF-style: chr22-30067885-A-G.
Other names: c.956A>G, p.Glu319Gly (NM_001407053.1, NM_001407056.1); c.947A>G, p.Glu316Gly (NM_001407054.1, NM_001407058.1, NM_181829.3); c.944A>G, p.Glu315Gly (NM_001407055.1, NM_181828.3); c.935A>G, p.Glu312Gly (NM_001407057.1, NM_001407059.1); c.1070A>G, p.Glu357Gly (NM_001407060.1, NM_001407066.1, NM_016418.5 and 2 more transcripts); c.812A>G, p.Glu271Gly (NM_001407062.1); c.821A>G, p.Glu274Gly (NM_001407063.1, NM_001407064.1, NM_181830.3 and 1 more transcripts); c.536A>G, p.Glu179Gly (NM_001407065.1); and 2 more; short protein forms E312G, E179G, E274G, E315G, E316G, E319G, E280G, E357G.
Identifiers: ClinVar variation 3299431 (VCV003299431.1).

ClinVar aggregate classification (germline): Uncertain significance (1 of 4 stars; one submission).

Conditions:
Hereditary cancer-predisposing syndrome. Also called: Tumor predisposition; Hereditary Cancer Syndrome; Hereditary neoplastic syndrome; Neoplastic Syndromes, Hereditary. Identifiers: Orphanet 140162, MedGen C0027672, MeSH D009386, MONDO:0015356.

Submission:

Ambry Genetics
Classification: Uncertain significance for Hereditary cancer-predisposing syndrome. Last evaluated: 2024-04-27. Review status: criteria provided, single submitter. Criteria: Ambry Variant Classification Scheme 2023. Collection method: clinical testing. Allele origin: germline.
Comment: The p.E357G variant (also known as c.1070A>G), located in coding exon 11 of the NF2 gene, results from an A to G substitution at nucleotide position 1070. The glutamic acid at codon 357 is replaced by glycine, an amino acid with similar properties. This amino acid position is conserved. In addition, this alteration is predicted to be deleterious by in silico analysis. Based on the available evidence, the clinical significance of this variant remains unclear.